The following is an entry in ClinVar:

ClinVar aggregate classification (germline): Benign/Likely benign. Review status: criteria provided, multiple submitters, no conflicts (2 of 4 stars). 9 submissions from 9 submitters: Benign (4); Likely benign (4). 1 of the submissions does not count toward it. Last evaluated 2026-01-28.

Conditions:
Wagner disease. Also called: Wagner syndrome; WAGNER VITREORETINAL DEGENERATION; WAGNER SYNDROME 1; WAGNER VITREORETINOPATHY; Wagner Vitreoretinal Degeneration (Wagner Synrdome); HYALOIDEORETINAL DEGENERATION OF WAGNER. Identifiers: Orphanet 898, MedGen C1840452, MONDO:0007740, OMIM 143200.
Vitreoretinopathy. Also called: Vitreoretinal degeneration. Identifiers: MedGen C0344290, MONDO:0020248, HP:0007773.

Allele frequency attached by ClinVar (database versions not stated): 1000 Genomes Project 0.00140; ExAC 0.00186; 1000 Genomes Project 30x 0.00187; gnomAD exomes 0.00211 and 0.00441; gnomAD 0.00287 and 0.00302; TOPMed 0.00305; ESP Exome Variant Server 0.00361.
gnomAD v4.1: 6,847 of 1,613,868 alleles (0.42%); highest among the groups gnomAD compares: Non-Finnish European, 0.54%; 28 homozygotes.

Submissions (9):

Labcorp Genetics (formerly Invitae), Labcorp
Classification: Benign. Last evaluated: 2026-01-28. Review status: criteria provided, single submitter. Criteria: Invitae Variant Classification Sherloc (09022015). Collection method: clinical testing. Allele origin: germline.

Blueprint Genetics
Classification: Likely benign. Last evaluated: 2024-11-22. Review status: criteria provided, single submitter. Criteria: ACMG Guidelines, 2015. Collection method: clinical testing. Allele origin: germline.

CeGaT Center for Human Genetics Tuebingen
Classification: Benign. Last evaluated: 2023-12-01. Review status: criteria provided, single submitter. Criteria: CeGaT Center For Human Genetics Tuebingen Variant Classification Criteria Version 2. Collection method: clinical testing. Allele origin: germline. Affected: yes. Observed: 1 variant allele.
Comment: VCAN: BP4, BP7, BS1, BS2

Illumina Laboratory Services, Illumina
Classification: Benign for Vitreoretinopathy. Last evaluated: 2018-01-13. Review status: criteria provided, single submitter. Criteria: ICSL Variant Classification Criteria 13 December 2019. Collection method: clinical testing. Allele origin: germline.
Comment: This variant was observed in the ICSL laboratory as part of a predisposition screen in an ostensibly healthy population. It had not been previously curated by ICSL or reported in the Human Gene Mutation Database (HGMD: prior to June 1st, 2018), and was therefore a candidate for classification through an automated scoring system. Utilizing variant allele frequency, disease prevalence and penetrance estimates, and inheritance mode, an automated score was calculated to assess if this variant is too frequent to cause the disease. Based on the score and internal cut-off values, a variant classified as benign is not then subjected to further curation. The score for this variant resulted in a classification of benign for this disease.

Clinical Genetics DNA and cytogenetics Diagnostics Lab, Erasmus MC, Erasmus Medical Center
Classification: Likely benign for Wagner disease. Last evaluated: 2017-11-08. Review status: criteria provided, single submitter. Criteria: ACGS Guidelines, 2013. Collection method: clinical testing. Allele origin: germline. Affected: yes. Study: VKGL Data-share Consensus.

Eurofins Ntd Llc (ga)
Classification: Benign. Last evaluated: 2014-05-06. Review status: criteria provided, single submitter. Criteria: EGL Classification Definitions 2015. Collection method: clinical testing. Allele origin: germline. Observed: 1 variant allele, 1 heterozygote.

Breakthrough Genomics
Classification: Likely benign. Review status: criteria provided, single submitter. Criteria: ACMG Guidelines, 2015. Collection method: not provided. Allele origin: germline. Inheritance: Autosomal dominant inheritance. Affected: yes.

PreventionGenetics, part of Exact Sciences
Classification: Likely benign. Review status: criteria provided, single submitter. Criteria: ACMG Guidelines, 2015. Collection method: clinical testing. Allele origin: germline.

Clinical Genetics, Academic Medical Center
Classification: Benign. Review status: no assertion criteria provided. Collection method: clinical testing. Allele origin: germline. Affected: yes. Study: VKGL Data-share Consensus. Not counted in ClinVar's aggregate classification.

NM_004385.5(VCAN):c.5187G>A (p.Glu1729=)

Genes: VCAN (versican; plus strand), VCAN-AS1 (VCAN antisense RNA 1; minus strand). Cytogenetic location: 5q14.3.
Variant type: single nucleotide variant.
Coding change: c.5187G>A on transcript NM_004385.5 (MANE Select); coding-DNA position 5187, G replaced by A.
Protein change: p.Glu1729=; no amino-acid change (glutamic acid 1729 retained).
Molecular consequence: synonymous variant. On other transcripts: intron variant (2).
Genome position (GRCh38, 1-based): chr5:83,538,190, G>A. VCF-style: chr5-83538190-G-A. GRCh37 (hg19) VCF-style: chr5-82834009-G-A.
Other names: c.2226G>A, p.Glu742= (NM_001164097.2); c.4004-7347G>A (NM_001164098.2); c.1043-7347G>A (NM_001126336.3).
Identifiers: ClinVar variation 167822 (VCV000167822.48), dbSNP rs35648048, ClinGen allele CA180482.